The following is an entry in ClinVar:

ClinVar aggregate classification (germline): Uncertain significance (1 of 4 stars; one submission).

gnomAD v4.1: 2 of 1,209,765 alleles (0.00017%); highest among the groups gnomAD compares: African/African-American, 0.0035%; no homozygotes.

Submission:

Labcorp Genetics (formerly Invitae), Labcorp
Classification: Uncertain significance. Last evaluated: 2025-12-19. Review status: criteria provided, single submitter. Criteria: Invitae Variant Classification Sherloc (09022015). Collection method: clinical testing. Allele origin: germline.
Comment: This sequence change replaces isoleucine, which is neutral and non-polar, with valine, which is neutral and non-polar, at codon 265 of the NEXMIF protein (p.Ile265Val). This variant is present in population databases (rs143412851, gnomAD 0.02%). This variant has not been reported in the literature in individuals affected with NEXMIF-related conditions. An algorithm developed to predict the effect of missense changes on protein structure and function (PolyPhen-2) suggests that this variant is likely to be disruptive. In summary, the available evidence is currently insufficient to determine the role of this variant in disease. Therefore, it has been classified as a Variant of Uncertain Significance.

NM_001008537.3(NEXMIF):c.793A>G (p.Ile265Val)

Gene: NEXMIF (neurite extension and migration factor; minus strand). Cytogenetic location: Xq13.3.
Variant type: single nucleotide variant.
Coding change: c.793A>G on transcript NM_001008537.3 (MANE Select); coding-DNA position 793, A replaced by G.
Protein change: p.Ile265Val; replaces isoleucine 265 with valine.
Molecular consequence: missense variant.
Genome position (GRCh38, 1-based): chrX:74,743,764, T>C on the plus strand (A>G on the coding strand, the complement: NEXMIF is on the minus strand). VCF-style: chrX-74743764-T-C. GRCh37 (hg19) VCF-style: chrX-73963599-T-C.
Other names: short protein forms I265V.
Identifiers: ClinVar variation 4750785 (VCV004750785.1).